The following is an entry in ClinVar:

NM_015570.4(AUTS2):c.3066G>A (p.Met1022Ile)

Gene: AUTS2 (activator of transcription and developmental regulator AUTS2; plus strand). Cytogenetic location: 7q11.22.
Variant type: single nucleotide variant.
Coding change: c.3066G>A on transcript NM_015570.4 (MANE Select); coding-DNA position 3066, G replaced by A.
Protein change: p.Met1022Ile; replaces methionine 1022 with isoleucine.
Molecular consequence: missense variant.
Genome position (GRCh38, 1-based): chr7:70,790,282, G>A. VCF-style: chr7-70790282-G-A. GRCh37 (hg19) VCF-style: chr7-70255268-G-A.
Other names: c.2994G>A, p.Met998Ile (NM_001127231.3); short protein forms M1022I, M998I.
Identifiers: ClinVar variation 3594758 (VCV003594758.2).
Genomic context (GRCh38, chr7:70,790,282, plus strand): 5'-CTCGGAGCCGCCGCCTCCCAACTCCTCGTCCAGCGTGCACCCGGGGCCCCTGGCCTCGAT[G>A]CCCATGACGGTGGGGGTGACGGGCATTCACCCCATGAACAGCATCAGCAGCCTGGACAGG-3'
Protein context (NP_056385.1, residues 1012-1032): SSVHPGPLAS[Met1022Ile]PMTVGVTGIH

ClinVar aggregate classification (germline): Uncertain significance. Review status: criteria provided, multiple submitters, no conflicts (2 of 4 stars). 2 submissions from 2 submitters: Uncertain significance (2). Last evaluated 2025-07-11.

Conditions:
Autism spectrum disorder due to AUTS2 deficiency (MRD26). Also called: INTELLECTUAL DEVELOPMENTAL DISORDER, AUTOSOMAL DOMINANT 26. Identifiers: Orphanet 352490, MedGen C4014435, MONDO:0014361, OMIM 615834.

Submissions (2):

Women's Health and Genetics/Laboratory Corporation of America, LabCorp
Classification: Uncertain significance. Last evaluated: 2025-07-11. Review status: criteria provided, single submitter. Criteria: LabCorp Variant Classification Summary - May 2015. Collection method: clinical testing. Allele origin: germline.
Comment: Variant summary: AUTS2 c.3066G>A (p.Met1022Ile) results in a conservative amino acid change in the encoded protein sequence. Algorithms developed to predict the effect of missense changes on protein structure and function are either unavailable or do not agree on the potential impact of this missense change. The frequency data for this variant in gnomAD is considered unreliable, as metrics indicate poor data quality at this position. To our knowledge, no occurrence of c.3066G>A in individuals affected with Autism Spectrum Disorder Due To AUTS2 Deficiency and no experimental evidence demonstrating its impact on protein function have been reported. ClinVar contains an entry for this variant (Variation ID: 3594758). Based on the evidence outlined above, the variant was classified as uncertain significance.

Fulgent Genetics
Classification: Uncertain significance for Autism spectrum disorder due to AUTS2 deficiency. Last evaluated: 2024-02-22. Review status: criteria provided, single submitter. Criteria: ACMG Guidelines, 2015. Collection method: clinical testing. Allele origin: germline.